The following is an entry in ClinVar:

NM_001958.5(EEF1A2):c.1029+11G>A

Gene: EEF1A2 (eukaryotic translation elongation factor 1 alpha 2; minus strand). Cytogenetic location: 20q13.33.
Variant type: single nucleotide variant.
Coding change: c.1029+11G>A on transcript NM_001958.5 (MANE Select); 11 bases into the intron after coding-DNA position 1029, G replaced by A.
Molecular consequence: intron variant.
Genome position (GRCh38, 1-based): chr20:63,490,468, C>T on the plus strand (G>A on the coding strand, the complement: EEF1A2 is on the minus strand). VCF-style: chr20-63490468-C-T. GRCh37 (hg19) VCF-style: chr20-62121821-C-T.
Identifiers: ClinVar variation 387874 (VCV000387874.1), dbSNP rs917960235, ClinGen allele CA16609055.
Genomic context (GRCh38, chr20:63,490,468, plus strand): 5'-CAGCCTCACCCAGGACAGTCCTGCTGCTGTCCAGCAGGCGCCAGCCCCCTGGACCCAGCG[C>T]AGCCCCCCACCTGGGAGGTGAACTGAGCAGCCTCCTGCGGCGGGTCAGACTTGCTGTCCC-3'

ClinVar aggregate classification (germline): Likely benign (1 of 4 stars; one submission).

Allele frequency attached by ClinVar (database versions not stated): gnomAD 0.00001 and 0.00002; gnomAD exomes 0.00001; TOPMed 0.00002.
gnomAD v4.1: 22 of 1,604,158 alleles (0.0014%); highest among the groups gnomAD compares: Non-Finnish European, 0.0018%; no homozygotes.

Submission:

GeneDx
Classification: Likely benign. Last evaluated: 2017-03-24. Review status: criteria provided, single submitter. Criteria: GeneDx Variant Classification (06012015). Collection method: clinical testing. Allele origin: germline. Affected: yes.
Comment: This variant is considered likely benign or benign based on one or more of the following criteria: it is a conservative change, it occurs at a poorly conserved position in the protein, it is predicted to be benign by multiple in silico algorithms, and/or has population frequency not consistent with disease.